The following is an entry in ClinVar:

ClinVar aggregate classification (germline): Pathogenic (1 of 4 stars; one submission).

Conditions:
Hereditary breast ovarian cancer syndrome. Also called: Hereditary breast and ovarian cancer syndrome (HBOC); Hereditary breast and ovarian cancer syndrome; Breast and ovarian cancer; Hereditary breast and/or ovarian cancer syndrome; Hereditary breast and ovarian cancer; BRCA1- and BRCA2-Associated Hereditary Breast and Ovarian Cancer. Identifiers: Orphanet 145, MedGen C0677776, MeSH D061325, MONDO:0003582. Disease mechanism: loss of function.

Submission:

Labcorp Genetics (formerly Invitae), Labcorp
Classification: Pathogenic for Hereditary breast ovarian cancer syndrome. Last evaluated: 2017-02-15. Review status: criteria provided, single submitter. Criteria: Invitae Variant Classification Sherloc (09022015). Collection method: clinical testing. Allele origin: germline.
Comment: For these reasons, this variant has been classified as Pathogenic. While deletion of exons 3-23 of BRCA1 has not been reported in the literature, loss-of-function variants in BRCA1 are known to be pathogenic (PMID: 20104584). This variant is a gross deletion of the genomic region encompassing exons 3-23 of the BRCA1 gene. The 5' boundary is likely confined to intron 2. The 3' end of this event is unknown as it extends through the termination codon beyond the assayed region for this gene and may encompass additional genes. While this deletion is not anticipated to result in nonsense mediated decay, it is expected to create a truncated protein product or disrupt mRNA translation.

Literature cited by the submitters: PubMed 20104584.

NC_000017.11:g.(?_43045672)_(43115785_?)del

Genes: BRCA1 (BRCA1 DNA repair associated; minus strand), LOC126862571 (BRD4-independent group 4 enhancer GRCh37_chr17:41243136-41244335; plus strand). Cytogenetic location: 17q21.31.
Variant type: Deletion.
Identifiers: ClinVar variation 462175 (VCV000462175.3).